The following is an entry in ClinVar:

NM_014232.3(VAMP2):c.294C>T (p.Ile98=)

Gene: VAMP2 (vesicle associated membrane protein 2; minus strand). Cytogenetic location: 17p13.1.
Variant type: single nucleotide variant.
Coding change: c.294C>T on transcript NM_014232.3 (MANE Select); coding-DNA position 294, C replaced by T.
Protein change: p.Ile98=; no amino-acid change (isoleucine 98 retained).
Molecular consequence: synonymous variant.
Genome position (GRCh38, 1-based): chr17:8,161,513, G>A on the plus strand (C>T on the coding strand, the complement: VAMP2 is on the minus strand). VCF-style: chr17-8161513-G-A. GRCh37 (hg19) VCF-style: chr17-8064831-G-A.
Other names: c.300C>T, p.Ile100= (NM_001330125.1).
Identifiers: ClinVar variation 2647450 (VCV002647450.25), dbSNP rs145487730, ClinGen allele CA8370350.
Genomic context (GRCh38, chr17:8,161,513, plus strand): 5'-GCCATTCTCACCCTACTCACCTATGATGATGATGAGGATGATGGCGCAAATCACTCCCAA[G>A]ATGATCATCATCTGGGGGTGAGAGGCGAGGATCAGTAAGACAAACTATGATACCCCATTC-3'
Protein context (NP_055047.2, residues 88-108): YWWKNLKMMI[Ile98=]LGVICAIILI

ClinVar aggregate classification (germline): Likely benign. Review status: criteria provided, multiple submitters, no conflicts (2 of 4 stars). 2 submissions from 2 submitters: Likely benign (2). Last evaluated 2024-06-27.

Allele frequency attached by ClinVar (database versions not stated): ExAC 0.00021; 1000 Genomes Project 30x 0.00062; gnomAD 0.00068; TOPMed 0.00070; ESP Exome Variant Server 0.00077; 1000 Genomes Project 0.00080.
gnomAD v4.1: 196 of 1,614,158 alleles (0.012%); highest among the groups gnomAD compares: African/African-American, 0.19%; 1 homozygote.

Submissions (2):

Blueprint Genetics
Classification: Likely benign. Last evaluated: 2024-06-27. Review status: criteria provided, single submitter. Criteria: ACMG Guidelines, 2015. Collection method: clinical testing. Allele origin: germline.

CeGaT Center for Human Genetics Tuebingen
Classification: Likely benign. Last evaluated: 2023-10-01. Review status: criteria provided, single submitter. Criteria: CeGaT Center For Human Genetics Tuebingen Variant Classification Criteria Version 2. Collection method: clinical testing. Allele origin: germline. Affected: yes. Observed: 1 variant allele.
Comment: VAMP2: BP4, BP7, BS1